The following is an entry in ClinVar:

ClinVar aggregate classification (germline): Uncertain significance (1 of 4 stars; one submission).

Conditions:
Hereditary cancer-predisposing syndrome. Also called: Neoplastic Syndromes, Hereditary; Tumor predisposition; Hereditary Cancer Syndrome; Hereditary neoplastic syndrome. Identifiers: Orphanet 140162, MedGen C0027672, MeSH D009386, MONDO:0015356.

gnomAD v4.1: 2 of 1,611,012 alleles (0.00012%); highest among the groups gnomAD compares: Non-Finnish European, 0.00017%; no homozygotes.

Submission:

Ambry Genetics
Classification: Uncertain significance for Hereditary cancer-predisposing syndrome. Last evaluated: 2020-03-06. Review status: criteria provided, single submitter. Criteria: Ambry Variant Classification Scheme 2023. Collection method: clinical testing. Allele origin: germline.
Comment: The p.S624W variant (also known as c.1871C>G), located in coding exon 12 of the BRIP1 gene, results from a C to G substitution at nucleotide position 1871. The serine at codon 624 is replaced by tryptophan, an amino acid with highly dissimilar properties. This amino acid position is highly conserved in available vertebrate species. In addition, the in silico prediction for this alteration is inconclusive. Since supporting evidence is limited at this time, the clinical significance of this alteration remains unclear.

NM_032043.3(BRIP1):c.1871C>G (p.Ser624Trp)

Gene: BRIP1 (BRCA1 interacting DNA helicase 1; minus strand). Cytogenetic location: 17q23.2.
Variant type: single nucleotide variant.
Coding change: c.1871C>G on transcript NM_032043.3 (MANE Select); coding-DNA position 1871, C replaced by G.
Protein change: p.Ser624Trp; replaces serine 624 with tryptophan.
Molecular consequence: missense variant.
Genome position (GRCh38, 1-based): chr17:61,780,325, G>C on the plus strand (C>G on the coding strand, the complement: BRIP1 is on the minus strand). VCF-style: chr17-61780325-G-C. GRCh37 (hg19) VCF-style: chr17-59857686-G-C.
Other names: short protein forms S624W.
Identifiers: ClinVar variation 1781696 (VCV001781696.2), dbSNP rs587781321, ClinGen allele CA400480068.